The following is an entry in ClinVar:

ClinVar aggregate classification (germline): Uncertain significance (1 of 4 stars; one submission).

Allele frequency attached by ClinVar (database versions not stated): TOPMed below 0.00001.

Submission:

CeGaT Center for Human Genetics Tuebingen
Classification: Uncertain significance. Last evaluated: 2022-07-01. Review status: criteria provided, single submitter. Criteria: CeGaT Center For Human Genetics Tuebingen Variant Classification Criteria Version 2. Collection method: clinical testing. Allele origin: germline. Affected: yes. Observed: 1 variant allele.
Comment: NBEA: PM2

NM_001385012.1(NBEA):c.6989A>G (p.Glu2330Gly)

Gene: NBEA (neurobeachin; plus strand). Cytogenetic location: 13q13.3.
Variant type: single nucleotide variant.
Coding change: c.6989A>G on transcript NM_001385012.1 (MANE Select); coding-DNA position 6989, A replaced by G.
Protein change: p.Glu2330Gly; replaces glutamic acid 2330 with glycine.
Molecular consequence: missense variant.
Genome position (GRCh38, 1-based): chr13:35,566,971, A>G. VCF-style: chr13-35566971-A-G. GRCh37 (hg19) VCF-style: chr13-36141108-A-G.
Other names: c.368A>G, p.Glu123Gly (NM_001204197.3); c.6980A>G, p.Glu2327Gly (NM_001379245.1); c.6989A>G, p.Glu2330Gly (NM_015678.5); short protein forms E123G, E2327G, E2330G.
Identifiers: ClinVar variation 2643761 (VCV002643761.24), dbSNP rs2080165425, ClinGen allele CA387981329.
Genomic context (GRCh38, chr13:35,566,971, plus strand): 5'-CATATAATGATCTGAACCAATATCCAGTGTTTCCGTGGGTGTTAACCAACTATGAATCAG[A>G]AGAGTTGGACCTGACTCTTCCAGGAAACTTCAGGGATCTATCAAAGGTAACTTTTAAATA-3'
Protein context (NP_001371941.1, residues 2320-2340): FPWVLTNYES[Glu2330Gly]ELDLTLPGNF